The following is an entry in ClinVar:

NM_017617.5(NOTCH1):c.389del (p.Pro130fs)

Gene: NOTCH1 (notch receptor 1; minus strand). Cytogenetic location: 9q34.3.
Variant type: Deletion.
Coding change: c.389del on transcript NM_017617.5 (MANE Select); coding-DNA position 389, one base deleted (C; older notation c.389delC).
Protein change: p.Pro130fs; shifts the reading frame from proline 130.
Molecular consequence: frameshift variant.
Genome position (GRCh38, 1-based): chr9:136,523,731, G deleted on the plus strand (C on the coding strand, the reverse complement: NOTCH1 is on the minus strand); the first of 3 consecutive G bases (chr9:136,523,731-136,523,733); deleting any one gives the same sequence. VCF-style (leftmost placement, unchanged base first): chr9-136523730-CG-C. GRCh37 (hg19) VCF-style: chr9-139418182-CG-C.
Other names: c.389delC (NM_017617.5); short protein forms P130fs.
Identifiers: ClinVar variation 977501 (VCV000977501.1), dbSNP rs1843413593, ClinGen allele CA1139661339.
Genomic context (GRCh38, chr9:136,523,730, plus strand): 5'-GGCGGGCCTGGGTCTGCCCACCCCTCAGGCTGTGGGTCCTCCCTCACCTGACCAGCCGGG[CG>C]GGCAGCGGCACTTGTACTCCGTCAGCGTGAGCAGGTCGCAGGTGCCCCCGTTGCGGCAGG-3'

ClinVar aggregate classification (germline): Likely pathogenic (1 of 4 stars; one submission).

Conditions:
Aortic valve disease 1 (AOVD1). Identifiers: MedGen C3887892, MONDO:0024523, OMIM 109730.

Submission:

Johns Hopkins Genomics, Johns Hopkins University
Classification: Likely pathogenic for Aortic valve disease 1. Last evaluated: 2020-08-28. Review status: criteria provided, single submitter. Criteria: ACMG Guidelines, 2015. Collection method: clinical testing. Allele origin: germline.
Comment: Interpretation: This NOTCH1 variant is absent in a large population dataset and has not been reported in ClinVar nor the literature to our knowledge. This frameshift variant results in a premature stop codon, likely leading to nonsense-mediated decay and lack of protein production. We consider c.389delC to be likely pathogenic.

Literature cited by the submitters: PubMed 16025100; PubMed 18593716; PubMed 26820064; PubMed 27760138.